The following is an entry in ClinVar:

ClinVar aggregate classification (germline): Uncertain significance (1 of 4 stars; one submission).

Conditions:
Pontocerebellar hypoplasia type 1A (PCH1A). Also called: PONTOCEREBELLAR HYPOPLASIA WITH ANTERIOR HORN CELL DISEASE; PONTOCEREBELLAR HYPOPLASIA WITH INFANTILE SPINAL MUSCULAR ATROPHY. Identifiers: Orphanet 2254, Orphanet 88616, MedGen C1843504, MONDO:0011866, OMIM 607596.

Submission:

Labcorp Genetics (formerly Invitae), Labcorp
Classification: Uncertain significance for Pontocerebellar hypoplasia type 1A. Last evaluated: 2021-08-27. Review status: criteria provided, single submitter. Criteria: Invitae Variant Classification Sherloc (09022015). Collection method: clinical testing. Allele origin: germline.
Comment: This sequence change replaces asparagine with histidine at codon 182 of the VRK1 protein (p.Asn182His). The asparagine residue is highly conserved and there is a small physicochemical difference between asparagine and histidine. This variant is not present in population databases (ExAC no frequency). This missense change has been observed in individual(s) with clinical features of distal hereditary motor neuropathy (Invitae). Algorithms developed to predict the effect of missense changes on protein structure and function are either unavailable or do not agree on the potential impact of this missense change (SIFT: "Deleterious"; PolyPhen-2: "Probably Damaging"; Align-GVGD: "Class C0"). In summary, the available evidence is currently insufficient to determine the role of this variant in disease. Therefore, it has been classified as a Variant of Uncertain Significance.

NM_003384.3(VRK1):c.544A>C (p.Asn182His)

Gene: VRK1 (VRK serine/threonine kinase 1; plus strand). Cytogenetic location: 14q32.2.
Variant type: single nucleotide variant.
Coding change: c.544A>C on transcript NM_003384.3 (MANE Select); coding-DNA position 544, A replaced by C.
Protein change: p.Asn182His; replaces asparagine 182 with histidine.
Molecular consequence: missense variant.
Genome position (GRCh38, 1-based): chr14:96,853,134, A>C. VCF-style: chr14-96853134-A-C. GRCh37 (hg19) VCF-style: chr14-97319471-A-C.
Other names: short protein forms N182H.
Identifiers: ClinVar variation 1354569 (VCV001354569.6), dbSNP rs745552947, ClinGen allele CA390930602.